The following is an entry in ClinVar:

ClinVar aggregate classification (germline): Uncertain significance (1 of 4 stars; one submission).

gnomAD v4.1: 5 of 1,609,144 alleles (0.00031%); highest among the groups gnomAD compares: Admixed American, 0.0067%; no homozygotes.

Submission:

Labcorp Genetics (formerly Invitae), Labcorp
Classification: Uncertain significance. Last evaluated: 2024-11-04. Review status: criteria provided, single submitter. Criteria: Invitae Variant Classification Sherloc (09022015). Collection method: clinical testing. Allele origin: germline.
Comment: This sequence change replaces arginine, which is basic and polar, with tryptophan, which is neutral and slightly polar, at codon 270 of the NDUFA9 protein (p.Arg270Trp). This variant is present in population databases (rs141369415, gnomAD 0.01%). This variant has not been reported in the literature in individuals affected with NDUFA9-related conditions. An algorithm developed to predict the effect of missense changes on protein structure and function (PolyPhen-2) suggests that this variant is likely to be tolerated. In summary, the available evidence is currently insufficient to determine the role of this variant in disease. Therefore, it has been classified as a Variant of Uncertain Significance.

NM_005002.5(NDUFA9):c.808C>T (p.Arg270Trp)

Gene: NDUFA9 (NADH:ubiquinone oxidoreductase subunit A9; plus strand). Cytogenetic location: 12p13.32.
Variant type: single nucleotide variant.
Coding change: c.808C>T on transcript NM_005002.5 (MANE Select); coding-DNA position 808, C replaced by T.
Protein change: p.Arg270Trp; replaces arginine 270 with tryptophan.
Molecular consequence: missense variant.
Genome position (GRCh38, 1-based): chr12:4,682,212, C>T. VCF-style: chr12-4682212-C-T. GRCh37 (hg19) VCF-style: chr12-4791378-C-T.
Other names: short protein forms R270W.
Identifiers: ClinVar variation 3603407 (VCV003603407.2).